The following is an entry in ClinVar:

ClinVar aggregate classification (germline): Conflicting classifications of pathogenicity. Review status: criteria provided, conflicting classifications (1 of 4 stars). 14 submissions from 13 submitters: Uncertain significance (10); Likely benign (3). 1 of the submissions does not count toward it. Last evaluated 2026-07-01.

Conditions:
Joubert syndrome. Also called: Familial aplasia of the vermis; JOUBERT-BOLTSHAUSER SYNDROME. Identifiers: Orphanet 475, MedGen C5979921, MONDO:0018772.
Joubert syndrome 2 (JBTS2). Also called: CEREBELLOOCULORENAL SYNDROME 2. Identifiers: Orphanet 2318, MedGen C1842577, MONDO:0011963, OMIM 608091.
Meckel syndrome, type 2 (MKS2). Also called: MECKEL-GRUBER SYNDROME, TYPE 2; MKS2-Related Meckel Syndrome. Identifiers: Orphanet 564, MedGen C1864148, MONDO:0011296, OMIM 603194.
TMEM216-related disorder. Also called: TMEM216-related condition; TMEM216-related disorders.
Retinal dystrophy. Also called: Inherited retinal dystrophy. Identifiers: Orphanet 71862, MedGen C0854723, MeSH D058499, MONDO:0019118, HP:0000556.

Allele frequency attached by ClinVar (database versions not stated): gnomAD 0.00052 and 0.00055; gnomAD exomes 0.00060; TOPMed 0.00060; 1000 Genomes Project 30x 0.00125.
gnomAD v4.1: 1,148 of 1,612,898 alleles (0.071%); highest among the groups gnomAD compares: Admixed American, 0.14%; 2 homozygotes.

Submissions (14):

CeGaT Center for Human Genetics Tuebingen
Classification: Likely benign. Last evaluated: 2026-07-01. Review status: criteria provided, single submitter. Criteria: CeGaT Center For Human Genetics Tuebingen Variant Classification Criteria Version 2. Collection method: clinical testing. Allele origin: germline. Affected: yes. Observed: 2 variant alleles.
Comment: TMEM216: BP4

PreventionGenetics, part of Exact Sciences
Classification: Uncertain significance for TMEM216-related condition. Last evaluated: 2026-03-10. Review status: criteria provided, single submitter. Criteria: ACMG Guidelines, 2015. Collection method: clinical testing. Allele origin: germline.
Comment: The TMEM216 c.140T>C variant is predicted to result in the amino acid substitution p.Val47Ala. This variant has been reported as uncertain in two individuals in a cohort study of patients with inherited retinal and optical nerve disorders (Table S12, Diñeiro et al. 2020. PubMed ID: 32483926). This variant is reported in 0.17% of alleles in individuals of Latino descent in gnomAD. At this time, the clinical significance of this variant is uncertain due to the absence of conclusive functional and genetic evidence.

Mayo Clinic Laboratories, Mayo Clinic
Classification: Uncertain significance. Last evaluated: 2025-02-02. Review status: criteria provided, single submitter. Criteria: ACMG Guidelines, 2015. Collection method: clinical testing. Allele origin: germline. Observed: 1 variant allele.
Comment: BS1

Labcorp Genetics (formerly Invitae), Labcorp
Classification: Uncertain significance for Joubert syndrome. Last evaluated: 2025-01-20. Review status: criteria provided, single submitter. Criteria: Invitae Variant Classification Sherloc (09022015). Collection method: clinical testing. Allele origin: germline.
Comment: This sequence change replaces valine, which is neutral and non-polar, with alanine, which is neutral and non-polar, at codon 47 of the TMEM216 protein (p.Val47Ala). This variant is present in population databases (rs762918371, gnomAD 0.2%), and has an allele count higher than expected for a pathogenic variant. This missense change has been observed in individual(s) with clinical features of inherited retinal disorder (PMID: 32483926). ClinVar contains an entry for this variant (Variation ID: 289981). An algorithm developed to predict the effect of missense changes on protein structure and function (PolyPhen-2) suggests that this variant¬†is likely to be tolerated. In summary, the available evidence is currently insufficient to determine the role of this variant in disease. Therefore, it has been classified as a Variant of Uncertain Significance.

Blueprint Genetics
Classification: Likely benign. Last evaluated: 2024-10-30. Review status: criteria provided, single submitter. Criteria: ACMG Guidelines, 2015. Collection method: clinical testing. Allele origin: germline.

Fulgent Genetics
Classification: Uncertain significance for Meckel syndrome, type 2; Joubert syndrome 2. Last evaluated: 2024-05-28. Review status: criteria provided, single submitter. Criteria: ACMG Guidelines, 2015. Collection method: clinical testing. Allele origin: germline.

GeneDx
Classification: Likely benign. Last evaluated: 2024-01-03. Review status: criteria provided, single submitter. Criteria: GeneDx Variant Classification Process June 2021. Collection method: clinical testing. Allele origin: germline. Affected: yes.
Comment: See Variant Classification Assertion Criteria.

Institute of Human Genetics, Univ. Regensburg, Univ. Regensburg
Classification: Uncertain significance for Retinal dystrophy. Last evaluated: 2023-01-01. Review status: criteria provided, single submitter. Criteria: ACMG Guidelines, 2015. Collection method: clinical testing. Allele origin: germline. Affected: yes.

Department of Pathology and Laboratory Medicine, Sinai Health System
Classification: Uncertain significance for Meckel syndrome, type 2; Joubert syndrome 2. Last evaluated: 2021-08-25. Review status: criteria provided, single submitter. Criteria: ACMG Guidelines, 2015. Collection method: research. Allele origin: germline.

Eurofins Ntd Llc (ga)
Classification: Uncertain significance. Last evaluated: 2018-06-13. Review status: criteria provided, single submitter. Criteria: EGL ClinVar v180209 classification definitions. Collection method: clinical testing. Allele origin: germline. Observed: 9 variant alleles, 9 heterozygotes.

Illumina Laboratory Services, Illumina
Classification: Uncertain significance for Meckel syndrome, type 2. Last evaluated: 2018-01-13. Review status: criteria provided, single submitter. Criteria: ICSL Variant Classification Criteria 13 December 2019. Collection method: clinical testing. Allele origin: germline.

Illumina Laboratory Services, Illumina
Classification: Uncertain significance for Joubert syndrome 2. Last evaluated: 2018-01-13. Review status: criteria provided, single submitter. Criteria: ICSL Variant Classification Criteria 13 December 2019. Collection method: clinical testing. Allele origin: germline.

Breakthrough Genomics
Classification: Uncertain significance. Review status: criteria provided, single submitter. Criteria: ACMG Guidelines, 2015. Collection method: not provided. Allele origin: germline. Inheritance: Autosomal recessive inheritance. Affected: yes.

Natera, Inc.
Classification: Uncertain significance for Joubert syndrome type 2. Last evaluated: 2020-04-14. Review status: no assertion criteria provided. Collection method: clinical testing. Allele origin: germline. Not counted in ClinVar's aggregate classification.

Literature cited by the submitters: PubMed 32483926 (cited by 3 submitters).

NM_001173990.3(TMEM216):c.140T>C (p.Val47Ala)

Gene: TMEM216 (transmembrane protein 216; plus strand). Cytogenetic location: 11q12.2.
Variant type: single nucleotide variant.
Coding change: c.140T>C on transcript NM_001173990.3 (MANE Select); coding-DNA position 140, T replaced by C.
Protein change: p.Val47Ala; replaces valine 47 with alanine.
Molecular consequence: missense variant. On other transcripts: 5 prime UTR variant (2).
Genome position (GRCh38, 1-based): chr11:61,393,887, T>C. VCF-style: chr11-61393887-T-C. GRCh37 (hg19) VCF-style: chr11-61161359-T-C.
Other names: p.Val47Ala; c.140T>C, p.Val47Ala (NM_001173991.3); c.-44T>C (NM_001330285.2, NM_016499.6); c.140T>C (NM_001173991.2); short protein forms V47A.
Identifiers: ClinVar variation 289981 (VCV000289981.35), dbSNP rs762918371, ClinGen allele CA6034711.